The following is an entry in ClinVar:

ClinVar aggregate classification (germline): Likely benign (1 of 4 stars; one submission).

Conditions:
Breast-ovarian cancer, familial, susceptibility to, 1 (BROVCA1). Also called: BRCA1 Hereditary Breast and Ovarian Cancer; OVARIAN CANCER, SUSCEPTIBILITY TO. Identifiers: Orphanet 145, MedGen C2676676, MONDO:0011450, OMIM 604370. Disease mechanism: loss of function.

Submissions (2):

Myriad Genetics, Inc.
Classification: Likely benign for Breast-ovarian cancer, familial, susceptibility to, 1. Last evaluated: 2024-12-30. Review status: criteria provided, single submitter. Criteria: Myriad Autosomal Dominant, Autosomal Recessive and X-Linked Classification Criteria (2023). Collection method: clinical testing. Allele origin: unknown.
Comment: This variant is considered likely benign. This variant is strongly associated with less severe personal and family histories of cancer, typical for individuals without pathogenic variants in this gene [PMID: 25085752].

Brotman Baty Institute, University of Washington
No classification provided (evidence only). Condition: Breast-ovarian cancer, familial 1. Review status: no classification provided. Collection method: in vitro. Allele origin: not applicable. Functional consequence: functionally_normal. Not counted in ClinVar's aggregate classification.
ClinVar note: "not provided" was previously submitted as the classification for the variant. However, the classification appeared to be based only on an observation of functional data so it was converted to no classification on 2025-07-30.

Literature cited by the submitters: PubMed 25085752 (cited by Myriad Genetics, Inc.).

NM_007294.4(BRCA1):c.5538G>T (p.Gln1846His)

Gene: BRCA1 (BRCA1 DNA repair associated; minus strand). Cytogenetic location: 17q21.31.
Variant type: single nucleotide variant.
Coding change: c.5538G>T on transcript NM_007294.4 (MANE Select); coding-DNA position 5538, G replaced by T.
Protein change: p.Gln1846His; replaces glutamine 1846 with histidine.
Molecular consequence: missense variant. On other transcripts: 3 prime UTR variant (1), non-coding transcript variant (1).
Genome position (GRCh38, 1-based): chr17:43,045,732, C>A on the plus strand (G>T on the coding strand, the complement: BRCA1 is on the minus strand). VCF-style: chr17-43045732-C-A. GRCh37 (hg19) VCF-style: chr17-41197749-C-A.
Other names: c.5325G>T, p.Gln1775His (NM_001407571.1, NM_001407894.1, NM_001407895.1 and 12 more transcripts); c.5604G>T, p.Gln1868His (NM_001407581.1, NM_001407582.1); c.5601G>T, p.Gln1867His (NM_001407583.1, NM_001407585.1, NM_001407587.1 and 1 more transcripts); c.5598G>T, p.Gln1866His (NM_001407590.1, NM_001407591.1); c.5538G>T, p.Gln1846His (NM_001407593.1, NM_001407594.1, NM_001407596.1 and 5 more transcripts); c.5535G>T, p.Gln1845His (NM_001407610.1, NM_001407611.1, NM_001407612.1 and 14 more transcripts); c.5532G>T, p.Gln1844His (NM_001407627.1, NM_001407628.1, NM_001407629.1 and 13 more transcripts); c.5523G>T, p.Gln1841His (NM_001407647.1); and 74 more; short protein forms Q1846H, Q1867H, Q742H, Q1799H, Q1718H, Q1734H, Q1735H, Q1757H.
Identifiers: ClinVar variation 867634 (VCV000867634.4), dbSNP rs80356849, ClinGen allele CA10590247.